The following is an entry in ClinVar:

ClinVar aggregate classification (germline): Uncertain significance (1 of 4 stars; one submission).

Conditions:
Developmental and epileptic encephalopathy 94 (DEE94). Also called: CHD2-Related Neurodevelopmental Disorders; Epileptic encephalopathy, childhood-onset. Identifiers: Orphanet 1942, Orphanet 2382, MedGen C3809278, MONDO:0014150, OMIM 615369.

Submission:

Labcorp Genetics (formerly Invitae), Labcorp
Classification: Uncertain significance for Developmental and epileptic encephalopathy 94. Last evaluated: 2023-06-18. Review status: criteria provided, single submitter. Criteria: Invitae Variant Classification Sherloc (09022015). Collection method: clinical testing. Allele origin: germline.
Comment: In summary, the available evidence is currently insufficient to determine the role of this variant in disease. Therefore, it has been classified as a Variant of Uncertain Significance. Advanced modeling of protein sequence and biophysical properties (such as structural, functional, and spatial information, amino acid conservation, physicochemical variation, residue mobility, and thermodynamic stability) performed at Invitae indicates that this missense variant is not expected to disrupt CHD2 protein function. This variant has not been reported in the literature in individuals affected with CHD2-related conditions. This variant is not present in population databases (gnomAD no frequency). This sequence change replaces aspartic acid, which is acidic and polar, with glutamic acid, which is acidic and polar, at codon 1088 of the CHD2 protein (p.Asp1088Glu).

NM_001271.4(CHD2):c.3264C>A (p.Asp1088Glu)

Gene: CHD2 (chromodomain helicase DNA binding protein 2; plus strand). Cytogenetic location: 15q26.1.
Variant type: single nucleotide variant.
Coding change: c.3264C>A on transcript NM_001271.4 (MANE Select); coding-DNA position 3264, C replaced by A.
Protein change: p.Asp1088Glu; replaces aspartic acid 1088 with glutamic acid.
Molecular consequence: missense variant.
Genome position (GRCh38, 1-based): chr15:92,985,524, C>A. VCF-style: chr15-92985524-C-A. GRCh37 (hg19) VCF-style: chr15-93528754-C-A.
Other names: short protein forms D1088E.
Identifiers: ClinVar variation 2792605 (VCV002792605.3), dbSNP rs2505562268, ClinGen allele CA393895531.